The following is an entry in ClinVar:

ClinVar aggregate classification (germline): Uncertain significance. Review status: criteria provided, multiple submitters, no conflicts (2 of 4 stars). 4 submissions from 4 submitters: Uncertain significance (4). Last evaluated 2025-07-29.

Conditions:
Cutis laxa, autosomal recessive, type 1B (ARCL1B). Also called: EFEMP2-Related Cutis Laxa; CUTIS LAXA, AUTOSOMAL RECESSIVE, TYPE IB. Identifiers: Orphanet 90349, MedGen C3280798, MONDO:0013754, OMIM 614437. Disease mechanism: loss of function.
Cardiovascular phenotype. Identifiers: MedGen CN230736.

Allele frequency attached by ClinVar (database versions not stated): gnomAD exomes 0.00001; ExAC 0.00002; TOPMed 0.00002; gnomAD 0.00003; ESP Exome Variant Server 0.00015.
gnomAD v4.1: 15 of 1,614,022 alleles (0.00093%); highest among the groups gnomAD compares: African/African-American, 0.0027%; no homozygotes.

Submissions (4):

Ambry Genetics
Classification: Uncertain significance for Cardiovascular phenotype. Last evaluated: 2025-07-29. Review status: criteria provided, single submitter. Criteria: Ambry Variant Classification Scheme 2023. Collection method: clinical testing. Allele origin: germline.
Comment: The p.G145S variant (also known as c.433G>A), located in coding exon 4 of the EFEMP2 gene, results from a G to A substitution at nucleotide position 433. The glycine at codon 145 is replaced by serine, an amino acid with similar properties. This amino acid position is conserved. In addition, this alteration is predicted to be deleterious by in silico analysis. Since supporting evidence is limited at this time, the clinical significance of this alteration remains unclear.

Women's Health and Genetics/Laboratory Corporation of America, LabCorp
Classification: Uncertain significance. Last evaluated: 2024-07-28. Review status: criteria provided, single submitter. Criteria: LabCorp Variant Classification Summary - May 2015. Collection method: clinical testing. Allele origin: germline.

Labcorp Genetics (formerly Invitae), Labcorp
Classification: Uncertain significance for Cutis laxa, autosomal recessive, type 1B. Last evaluated: 2022-06-27. Review status: criteria provided, single submitter. Criteria: Invitae Variant Classification Sherloc (09022015). Collection method: clinical testing. Allele origin: germline.
Comment: This sequence change replaces glycine, which is neutral and non-polar, with serine, which is neutral and polar, at codon 145 of the EFEMP2 protein (p.Gly145Ser). This variant is present in population databases (rs369601362, gnomAD 0.004%). This variant has not been reported in the literature in individuals affected with EFEMP2-related conditions. ClinVar contains an entry for this variant (Variation ID: 968840). Algorithms developed to predict the effect of missense changes on protein structure and function are either unavailable or do not agree on the potential impact of this missense change (SIFT: "Deleterious"; PolyPhen-2: "Probably Damaging"; Align-GVGD: "Class C0"). Algorithms developed to predict the effect of sequence changes on RNA splicing suggest that this variant may create or strengthen a splice site. In summary, the available evidence is currently insufficient to determine the role of this variant in disease. Therefore, it has been classified as a Variant of Uncertain Significance.

GeneDx
Classification: Uncertain significance. Last evaluated: 2021-09-29. Review status: criteria provided, single submitter. Criteria: GeneDx Variant Classification Process June 2021. Collection method: clinical testing. Allele origin: germline. Affected: yes.
Comment: Has not been previously published as pathogenic or benign to our knowledge; Not observed at a significant frequency in large population cohorts (Lek et al., 2016); In silico analysis supports that this missense variant has a deleterious effect on protein structure/function

NM_016938.5(EFEMP2):c.433G>A (p.Gly145Ser)

Gene: EFEMP2 (EGF-like fibulin extracellular matrix protein 2; minus strand). Cytogenetic location: 11q13.1.
Variant type: single nucleotide variant.
Coding change: c.433G>A on transcript NM_016938.5 (MANE Select); coding-DNA position 433, G replaced by A.
Protein change: p.Gly145Ser; replaces glycine 145 with serine.
Molecular consequence: missense variant. On other transcripts: non-coding transcript variant (1).
Genome position (GRCh38, 1-based): chr11:65,870,593, C>T on the plus strand (G>A on the coding strand, the complement: EFEMP2 is on the minus strand). VCF-style: chr11-65870593-C-T. GRCh37 (hg19) VCF-style: chr11-65638064-C-T.
Other names: short protein forms G145S.
Identifiers: ClinVar variation 968840 (VCV000968840.13), dbSNP rs369601362, ClinGen allele CA6110669.